The following is an entry in ClinVar:

ClinVar aggregate classification (germline): Uncertain significance (1 of 4 stars; one submission).

gnomAD v4.1: 1 of 1,613,720 alleles (0.000062%); highest among the groups gnomAD compares: East Asian, 0.0022%; no homozygotes.

Submission:

Women's Health and Genetics/Laboratory Corporation of America, LabCorp
Classification: Uncertain significance. Last evaluated: 2025-07-03. Review status: criteria provided, single submitter. Criteria: LabCorp Variant Classification Summary - May 2015. Collection method: clinical testing. Allele origin: germline.
Comment: Variant summary: COL4A3 c.3946G>A (p.Gly1316Ser) results in a non-conservative amino acid change in the encoded protein sequence. Algorithms developed to predict the effect of missense changes on protein structure and function all suggest that this variant is likely to be disruptive. The variant was absent in 249564 control chromosomes. The available data on variant occurrences in the general population are insufficient to allow any conclusion about variant significance. c.3946G>A has been observed in one individual affected with Alport Syndrome, Autosomal Dominant (Garcia-Aznar_2022) and one unaffected individual (Liu_2017), however it was also reported at a heterozygous state, co-occurring with hemizygous pathogenic exonic deletions in COL4A5 in two individuals affected with AD Alport Syndrome (Zhang_2019, Liu_2017), and the role of COL4A3 c.3946G>A in those two patients remained unclear. These data do not allow any conclusion about variant significance. To our knowledge, no experimental evidence demonstrating an impact on protein function has been reported. The following publications have been ascertained in the context of this evaluation (PMID: 36013122, 28542346, 30883042). No submitters have cited clinical-significance assessments for this variant to ClinVar. Based on the evidence outlined above, the variant was classified as uncertain significance.

Literature cited by the submitters: PubMed 36013122; PubMed 30883042; PubMed 28542346.

NM_000091.5(COL4A3):c.3946G>A (p.Gly1316Ser)

Genes: COL4A3 (collagen type IV alpha 3 chain; plus strand), MFF-DT (MFF divergent transcript; minus strand). Cytogenetic location: 2q36.3.
Variant type: single nucleotide variant.
Coding change: c.3946G>A on transcript NM_000091.5 (MANE Select); coding-DNA position 3946, G replaced by A.
Protein change: p.Gly1316Ser; replaces glycine 1316 with serine.
Molecular consequence: missense variant.
Genome position (GRCh38, 1-based): chr2:227,303,101, G>A. VCF-style: chr2-227303101-G-A. GRCh37 (hg19) VCF-style: chr2-228167817-G-A.
Other names: short protein forms G1316S.
Identifiers: ClinVar variation 3911927 (VCV003911927.2).